The following is an entry in ClinVar:

ClinVar aggregate classification (germline): Uncertain significance (1 of 4 stars; one submission).

Allele frequency attached by ClinVar (database versions not stated): gnomAD 0.00001; TOPMed below 0.00001.
gnomAD v4.1: 1 of 1,611,238 alleles (0.000062%); highest among the groups gnomAD compares: African/African-American, 0.0013%; no homozygotes.

Submission:

Labcorp Genetics (formerly Invitae), Labcorp
Classification: Uncertain significance. Last evaluated: 2025-08-29. Review status: criteria provided, single submitter. Criteria: Invitae Variant Classification Sherloc (09022015). Collection method: clinical testing. Allele origin: germline.
Comment: This sequence change replaces glutamic acid, which is acidic and polar, with glutamine, which is neutral and polar, at codon 714 of the TNNI3K protein (p.Glu714Gln). This variant is not present in population databases (gnomAD no frequency). This variant has not been reported in the literature in individuals affected with TNNI3K-related conditions. ClinVar contains an entry for this variant (Variation ID: 1497803). An algorithm developed to predict the effect of missense changes on protein structure and function (PolyPhen-2) suggests that this variant is likely to be tolerated. In summary, the available evidence is currently insufficient to determine the role of this variant in disease. Therefore, it has been classified as a Variant of Uncertain Significance.

NM_015978.3(TNNI3K):c.2140G>C (p.Glu714Gln)

Genes: FPGT-TNNI3K (FPGT-TNNI3K readthrough; plus strand), LRRC53 (leucine rich repeat containing 53; minus strand), TNNI3K (TNNI3 interacting kinase; plus strand). Cytogenetic location: 1p31.1.
Variant type: single nucleotide variant.
Coding change: c.2140G>C on transcript NM_015978.3 (MANE Select); coding-DNA position 2140, G replaced by C.
Protein change: p.Glu714Gln; replaces glutamic acid 714 with glutamine.
Molecular consequence: missense variant. On other transcripts: intron variant (2).
Genome position (GRCh38, 1-based): chr1:74,489,207, G>C. VCF-style: chr1-74489207-G-C. GRCh37 (hg19) VCF-style: chr1-74954891-G-C.
Other names: c.2443G>C, p.Glu815Gln (NM_001112808.3); c.-8-8239C>G (NM_001364666.2); c.-26-5832C>G (NM_001382280.1); short protein forms E815Q, E714Q.
Identifiers: ClinVar variation 1497803 (VCV001497803.6), dbSNP rs1253716559, ClinGen allele CA340798533.
Genomic context (GRCh38, chr1:74,489,207, plus strand): 5'-CTTTTATTCTTAAGGGAAAAAAGTTCTTTTTTCTATTTACAGGGAAGACCCGAATTTTCT[G>C]AAGTTGTCATGAAGTTAGAAGAGTGTCTCTGCAACATTGAGGTAAAAGCTTTAGCTTCTG-3'
Protein context (NP_057062.1, residues 704-724): ACPEGRPEFS[Glu714Gln]VVMKLEECLC